The following is an entry in ClinVar:

ClinVar aggregate classification (germline): Likely benign. Review status: criteria provided, multiple submitters, no conflicts (2 of 4 stars). 2 submissions from 2 submitters: Likely benign (2). Last evaluated 2026-07-02.

Conditions:
KMT2D-related disorder. Also called: KMT2D-Related Disorders.
Kabuki syndrome. Also called: NIIKAWA-KUROKI SYNDROME; Kabuki make-up syndrome. Identifiers: Orphanet 2322, MedGen C0796004, MONDO:0016512.

gnomAD v4.1: 2 of 1,612,654 alleles (0.00012%); highest among the groups gnomAD compares: Non-Finnish European, 0.00017%; no homozygotes.

Submissions (2):

PreventionGenetics, part of Exact Sciences
Classification: Likely benign for KMT2D-related condition. Last evaluated: 2026-07-02. Review status: criteria provided, single submitter. Criteria: ACMG Guidelines, 2015. Collection method: clinical testing. Allele origin: germline.
Comment: This variant is classified as likely benign based on ACMG/AMP sequence variant interpretation guidelines (Richards et al. 2015 PMID: 25741868, with internal and published modifications).

Labcorp Genetics (formerly Invitae), Labcorp
Classification: Likely benign for Kabuki syndrome. Last evaluated: 2025-05-04. Review status: criteria provided, single submitter. Criteria: Invitae Variant Classification Sherloc (09022015). Collection method: clinical testing. Allele origin: germline.

NM_003482.4(KMT2D):c.3336G>A (p.Leu1112=)

Gene: KMT2D (lysine methyltransferase 2D; minus strand). Cytogenetic location: 12q13.12.
Variant type: single nucleotide variant.
Coding change: c.3336G>A on transcript NM_003482.4 (MANE Select); coding-DNA position 3336, G replaced by A.
Protein change: p.Leu1112=; no amino-acid change (leucine 1112 retained).
Molecular consequence: synonymous variant.
Genome position (GRCh38, 1-based): chr12:49,050,252, C>T on the plus strand (G>A on the coding strand, the complement: KMT2D is on the minus strand). VCF-style: chr12-49050252-C-T. GRCh37 (hg19) VCF-style: chr12-49444035-C-T.
Identifiers: ClinVar variation 4740309 (VCV004740309.2).